The following is an entry in ClinVar:

ClinVar aggregate classification (germline): Likely benign. Review status: criteria provided, multiple submitters, no conflicts (2 of 4 stars). 3 submissions from 3 submitters: Likely benign (3). Last evaluated 2026-09-01.

Allele frequency attached by ClinVar (database versions not stated): 1000 Genomes Project 30x 0.00172; 1000 Genomes Project 0.00180; gnomAD 0.00341; gnomAD exomes 0.00354; TOPMed 0.00355; ExAC 0.00395; ESP Exome Variant Server 0.00449.
gnomAD v4.1: 7,834 of 1,613,360 alleles (0.49%); highest among the groups gnomAD compares: Non-Finnish European, 0.61%; 26 homozygotes.

Submissions (15):

CeGaT Center for Human Genetics Tuebingen
Classification: Likely benign. Last evaluated: 2026-09-01. Review status: criteria provided, single submitter. Criteria: CeGaT Center For Human Genetics Tuebingen Variant Classification Criteria Version 2. Collection method: clinical testing. Allele origin: germline. Affected: yes. Observed: 42 variant alleles.
Comment: TNIK: BS2

Labcorp Genetics (formerly Invitae), Labcorp
Classification: Likely benign. Last evaluated: 2019-12-31. Review status: criteria provided, single submitter. Criteria: Invitae Variant Classification Sherloc (09022015). Collection method: clinical testing. Allele origin: germline.

Breakthrough Genomics
Classification: Likely benign. Review status: criteria provided, single submitter. Criteria: ACMG Guidelines, 2015. Collection method: not provided. Allele origin: germline. Inheritance: Autosomal recessive inheritance. Affected: yes.

Dr. Peter K. Rogan Lab, Western University
No classification provided (evidence only). Condition: Clear cell carcinoma of kidney. Review status: no classification provided. Collection method: in vitro. Allele origin: not applicable. Functional consequence: retained intron. Not counted in ClinVar's aggregate classification.

Dr. Peter K. Rogan Lab, Western University
No classification provided (evidence only). Condition: Melanoma. Review status: no classification provided. Collection method: in vitro. Allele origin: not applicable. Functional consequence: retained intron. Not counted in ClinVar's aggregate classification.

Dr. Peter K. Rogan Lab, Western University
No classification provided (evidence only). Condition: Familial cancer of breast. Review status: no classification provided. Collection method: in vitro. Allele origin: not applicable. Functional consequence: retained intron. Not counted in ClinVar's aggregate classification.

Dr. Peter K. Rogan Lab, Western University
No classification provided (evidence only). Condition: Acute myeloid leukemia. Review status: no classification provided. Collection method: in vitro. Allele origin: not applicable. Functional consequence: retained intron. Not counted in ClinVar's aggregate classification.

Dr. Peter K. Rogan Lab, Western University
No classification provided (evidence only). Condition: Cervical cancer. Review status: no classification provided. Collection method: in vitro. Allele origin: not applicable. Functional consequence: retained intron. Not counted in ClinVar's aggregate classification.

Dr. Peter K. Rogan Lab, Western University
No classification provided (evidence only). Condition: Cervical cancer. Review status: no classification provided. Collection method: in vitro. Allele origin: not applicable. Functional consequence: retained intron. Not counted in ClinVar's aggregate classification.

Dr. Peter K. Rogan Lab, Western University
No classification provided (evidence only). Condition: Gastric cancer. Review status: no classification provided. Collection method: in vitro. Allele origin: not applicable. Functional consequence: retained intron. Not counted in ClinVar's aggregate classification.

Dr. Peter K. Rogan Lab, Western University
No classification provided (evidence only). Condition: Gastric cancer. Review status: no classification provided. Collection method: in vitro. Allele origin: not applicable. Functional consequence: retained intron. Not counted in ClinVar's aggregate classification.

Dr. Peter K. Rogan Lab, Western University
No classification provided (evidence only). Condition: Gastric cancer. Review status: no classification provided. Collection method: in vitro. Allele origin: not applicable. Functional consequence: retained intron. Not counted in ClinVar's aggregate classification.

Dr. Peter K. Rogan Lab, Western University
No classification provided (evidence only). Condition: Gastric cancer. Review status: no classification provided. Collection method: in vitro. Allele origin: not applicable. Functional consequence: retained intron. Not counted in ClinVar's aggregate classification.

Dr. Peter K. Rogan Lab, Western University
No classification provided (evidence only). Condition: Malignant tumor of esophagus. Review status: no classification provided. Collection method: in vitro. Allele origin: not applicable. Functional consequence: retained intron. Not counted in ClinVar's aggregate classification.

Dr. Peter K. Rogan Lab, Western University
No classification provided (evidence only). Condition: Lymphoma. Review status: no classification provided. Collection method: in vitro. Allele origin: not applicable. Functional consequence: retained intron. Not counted in ClinVar's aggregate classification.

NM_015028.4(TNIK):c.2720A>C (p.Glu907Ala)

Gene: TNIK (TRAF2 and NCK interacting kinase; minus strand). Cytogenetic location: 3q26.2.
Variant type: single nucleotide variant.
Coding change: c.2720A>C on transcript NM_015028.4 (MANE Select); coding-DNA position 2720, A replaced by C.
Protein change: p.Glu907Ala; replaces glutamic acid 907 with alanine.
Molecular consequence: missense variant.
Genome position (GRCh38, 1-based): chr3:171,093,840, T>G on the plus strand (A>C on the coding strand, the complement: TNIK is on the minus strand). VCF-style: chr3-171093840-T-G. GRCh37 (hg19) VCF-style: chr3-170811629-T-G.
Other names: NC_000003.11:g.170811629T>G; c.2696A>C, p.Glu899Ala (NM_001161560.3); c.2633A>C, p.Glu878Ala (NM_001161561.3); c.2609A>C, p.Glu870Ala (NM_001161562.3); c.2555A>C, p.Glu852Ala (NM_001161563.3); c.2531A>C, p.Glu844Ala (NM_001161564.3); c.2468A>C, p.Glu823Ala (NM_001161565.3); c.2444A>C, p.Glu815Ala (NM_001161566.3); short protein forms E852A, E878A, E899A, E907A, E823A, E815A, E844A, E870A.
Identifiers: ClinVar variation 709853 (VCV000709853.42), dbSNP rs192746498, ClinGen allele CA2703132.
Genomic context (GRCh38, chr3:171,093,840, plus strand): 5'-TAATGTAAAAACCACTGAAGAAATGGCATTTCCTCTACACAGTTTTTATACCAACTTACC[T>G]CTCTAATCATCAAGGTTCCTTCTCTTGAAATACTGCCGCTGAAACTGTCCGCATGAGAGG-3'
Protein context (NP_055843.1, residues 897-917): ISREGTLMIR[Glu907Ala]TSGEKKRSGH